The following is an entry in ClinVar:

NM_015629.4(PRPF31):c.259_263del (p.Ala86_Ala87insTer)

Genes: PRPF31 (pre-mRNA processing factor 31; plus strand), PRPF31-AS1 (PRPF31 antisense RNA 1; minus strand). Cytogenetic location: 19q13.42.
Variant type: Deletion.
Coding change: c.259_263del on transcript NM_015629.4 (MANE Select); coding-DNA positions 259 to 263, 5 bases deleted (GCGCC; older notation c.259_263delGCGCC).
Protein change: p.Ala86_Ala87insTer.
Molecular consequence: nonsense.
Genome position (GRCh38, 1-based): chr19:54,121,880-54,121,884, GCGCC deleted; deleting any 5 consecutive bases within chr19:54,121,877-54,121,884 gives the same sequence; the c. name uses the placement nearest the transcript's 3' end. VCF-style (leftmost placement, unchanged base first): chr19-54121876-GGCCGC-G. GRCh37 (hg19) VCF-style: chr19-54625255-GGCCGC-G.
Identifiers: ClinVar variation 2102710 (VCV002102710.4), dbSNP rs2516116135, ClinGen allele CA2580097758.
Genomic context (GRCh38, chr19:54,121,876, plus strand): 5'-GTAGGGATTTAGATACTCACACCCATGCCTCCGTGTCCTCACAGTGATGGGACCAGTGGA[GGCCGC>G]GCCTGAATACCGCGTCATCGTGGATGCCAACAACCTGACCGTGGAGATCGAAAACGAGCT-3'

ClinVar aggregate classification (germline): Pathogenic (1 of 4 stars; one submission).

Submission:

Labcorp Genetics (formerly Invitae), Labcorp
Classification: Pathogenic. Last evaluated: 2023-06-23. Review status: criteria provided, single submitter. Criteria: Invitae Variant Classification Sherloc (09022015). Collection method: clinical testing. Allele origin: germline.
Comment: For these reasons, this variant has been classified as Pathogenic. ClinVar contains an entry for this variant (Variation ID: 2102710). This variant has not been reported in the literature in individuals affected with PRPF31-related conditions. This variant is not present in population databases (gnomAD no frequency). This sequence change creates a premature translational stop signal (p.Ala87*) in the PRPF31 gene. It is expected to result in an absent or disrupted protein product. Loss-of-function variants in PRPF31 are known to be pathogenic (PMID: 18317597, 23950152).

Literature cited by the submitters: PubMed 18317597; PubMed 23950152.